The following is an entry in ClinVar:

ClinVar aggregate classification (germline): Likely benign (1 of 4 stars; one submission).

Allele frequency attached by ClinVar (database versions not stated): gnomAD exomes 0.00014; ESP Exome Variant Server 0.00085; gnomAD 0.00118; TOPMed 0.00128; 1000 Genomes Project 30x 0.00172.
gnomAD v4.1: 223 of 628,930 alleles (0.035%); highest among the groups gnomAD compares: African/African-American, 0.4%; no homozygotes.

Submission:

CeGaT Center for Human Genetics Tuebingen
Classification: Likely benign. Last evaluated: 2023-04-01. Review status: criteria provided, single submitter. Criteria: CeGaT Center For Human Genetics Tuebingen Variant Classification Criteria Version 2. Collection method: clinical testing. Allele origin: germline. Affected: yes. Observed: 1 variant allele.
Comment: PDE4DIP: BP4, BP7

NM_001395426.1(PDE4DIP):c.1317A>G (p.Lys439=)

Gene: PDE4DIP (phosphodiesterase 4D interacting protein; plus strand). Cytogenetic location: 1q21.2.
Variant type: single nucleotide variant.
Coding change: c.1317A>G on transcript NM_001395426.1 (MANE Select); coding-DNA position 1317, A replaced by G.
Protein change: p.Lys439=; no amino-acid change (lysine 439 retained).
Molecular consequence: synonymous variant.
Genome position (GRCh38, 1-based): chr1:148,962,565, A>G. VCF-style: chr1-148962565-A-G. GRCh37 (hg19) VCF-style: chr1-144921910-T-C.
Other names: c.1608A>G, p.Lys536= (NM_001002811.3, NM_001350520.2, NM_001395297.1 and 4 more transcripts); c.1119A>G, p.Lys373= (NM_001002812.4, NM_001198834.5, NM_014644.7); c.1317A>G, p.Lys439= (NM_001198832.4, NM_001350522.3, NM_001350523.3 and 11 more transcripts); c.1530A>G, p.Lys510= (NM_001350521.4, NM_001377392.2, NM_001395298.1 and 4 more transcripts); c.1419A>G, p.Lys473= (NM_001395300.1, NM_001395302.1); c.1206A>G, p.Lys402= (NM_001395313.1, NM_001395321.1); c.1269A>G, p.Lys423= (NM_001395319.1); c.1023A>G, p.Lys341= (NM_001395322.1); and 1 more.
Identifiers: ClinVar variation 2639075 (VCV002639075.24), dbSNP rs146047382, ClinGen allele CA1047584.
Genomic context (GRCh38, chr1:148,962,565, plus strand): 5'-TGAAATACAGAAGCTCCAGAGGGTGGTACGACAGAAAGAGCGCCAACTGGCTGATGCCAA[A>G]CAATGTGTGCAATTTGTAGAGGCTGCAGCACACGAGAGTGAACAGCAGAAAGAGGCTTCT-3'
Protein context (NP_001382355.1, residues 429-449): RQKERQLADA[Lys439=]QCVQFVEAAA